The following is an entry in ClinVar:

ClinVar aggregate classification (germline): Likely benign (1 of 4 stars; one submission).

Conditions:
Malignant hyperthermia, susceptibility to, 5 (MHS5). Also called: CACNA1S-Related Malignant Hyperthermia Susceptibility. Identifiers: Orphanet 423, MedGen C1866077, MONDO:0011163, OMIM 601887.

Submission:

All of Us Research Program, National Institutes of Health
Classification: Likely benign for Malignant hyperthermia, susceptibility to, 5. Last evaluated: 2023-03-23. Review status: criteria provided, single submitter. Criteria: ACMG Guidelines, 2015. Collection method: clinical testing. Allele origin: germline. Inheritance: Autosomal dominant inheritance. Observed: 1 variant allele, 1 heterozygote.
Comment: This study involves interpretation of variants in research participants for the purpose of population health screening. Participant phenotype was not available at the time of variant classification. Additional details can be found in publication PMID: 35346344, PMCID: PMC8962531

NM_000069.3(CACNA1S):c.259-12T>C

Gene: CACNA1S (calcium voltage-gated channel subunit alpha1 S; minus strand). Cytogenetic location: 1q32.1.
Variant type: single nucleotide variant.
Coding change: c.259-12T>C on transcript NM_000069.3 (MANE Select); 12 bases into the intron before coding-DNA position 259, T replaced by C.
Molecular consequence: intron variant.
Genome position (GRCh38, 1-based): chr1:201,094,033, A>G on the plus strand (T>C on the coding strand, the complement: CACNA1S is on the minus strand). VCF-style: chr1-201094033-A-G. GRCh37 (hg19) VCF-style: chr1-201063161-A-G.
Identifiers: ClinVar variation 3069900 (VCV003069900.1), dbSNP rs2464633727, ClinGen allele CA2825000890.
Genomic context (GRCh38, chr1:201,094,033, plus strand): 5'-TGGCGGCTTCAATCGAGAAGACAATGAGGAAGAAATACTCCAGCTTCTCCTGTGGGAGCA[A>G]ACGTGGTCACAGCATGCCTCTGTGCTCTCTGAGTGCACCCTTGCTCTCTTCCCTGCAGCC-3'